The following is an entry in ClinVar:

ClinVar aggregate classification (germline): Pathogenic/Likely pathogenic. Review status: criteria provided, multiple submitters, no conflicts (2 of 4 stars). 4 submissions from 4 submitters: Pathogenic (3); Likely pathogenic (1). Last evaluated 2024-11-05.

Conditions:
Retinitis pigmentosa 25 (RP25). Identifiers: Orphanet 791, MedGen C1864446, MONDO:0011272, OMIM 602772.

Submissions (4):

Labcorp Genetics (formerly Invitae), Labcorp
Classification: Pathogenic. Last evaluated: 2024-11-05. Review status: criteria provided, single submitter. Criteria: Invitae Variant Classification Sherloc (09022015). Collection method: clinical testing. Allele origin: germline.
Comment: This sequence change creates a premature translational stop signal (p.Trp1191*) in the EYS gene. It is expected to result in an absent or disrupted protein product. Loss-of-function variants in EYS are known to be pathogenic (PMID: 18836446, 20333770). This variant is not present in population databases (gnomAD no frequency). This premature translational stop signal has been observed in individuals with retinitis pigmentosa (PMID: 29785639; internal data). ClinVar contains an entry for this variant (Variation ID: 1070197). For these reasons, this variant has been classified as Pathogenic.

Myriad Genetics, Inc.
Classification: Pathogenic for Retinitis pigmentosa 25. Last evaluated: 2024-05-14. Review status: criteria provided, single submitter. Criteria: Myriad Autosomal Dominant, Autosomal Recessive and X-Linked Classification Criteria (2023). Collection method: clinical testing. Allele origin: unknown.
Comment: NM_001142800.1(EYS):c.3573G>A(W1191*) is expected to be pathogenic in the context of retinitis pigmentosa, EYS-related. This variant is predicted to lead to an abnormal or absent protein product due to the creation of a premature termination codon in EYS, a gene where loss-of-function variants are known to be pathogenic. Please note: this variant was assessed in the context of healthy population screening.

Fulgent Genetics
Classification: Likely pathogenic for Retinitis pigmentosa 25. Last evaluated: 2024-01-10. Review status: criteria provided, single submitter. Criteria: ACMG Guidelines, 2015. Collection method: clinical testing. Allele origin: germline.

Baylor Genetics
Classification: Pathogenic for Retinitis pigmentosa 25. Last evaluated: 2022-08-29. Review status: criteria provided, single submitter. Criteria: ACMG Guidelines, 2015. Collection method: clinical testing. Allele origin: unknown.

Literature cited by the submitters: PubMed 18836446 (cited by Labcorp Genetics (formerly Invitae), Labcorp); PubMed 20333770 (cited by Labcorp Genetics (formerly Invitae), Labcorp); PubMed 29785639 (cited by Labcorp Genetics (formerly Invitae), Labcorp).

NM_001142800.2(EYS):c.3573G>A (p.Trp1191Ter)

Gene: EYS (EGF-like photoreceptor maintenance factor; minus strand). Cytogenetic location: 6q12.
Variant type: single nucleotide variant.
Coding change: c.3573G>A on transcript NM_001142800.2 (MANE Select); coding-DNA position 3573, G replaced by A.
Protein change: p.Trp1191Ter; replaces tryptophan 1191 with a stop codon.
Molecular consequence: nonsense.
Genome position (GRCh38, 1-based): chr6:64,617,529, C>T on the plus strand (G>A on the coding strand, the complement: EYS is on the minus strand). VCF-style: chr6-64617529-C-T. GRCh37 (hg19) VCF-style: chr6-65327422-C-T.
Other names: c.3573G>A, p.Trp1191Ter (NM_001292009.2); short protein forms W1191*.
Identifiers: ClinVar variation 1070197 (VCV001070197.12), dbSNP rs1239806410, ClinGen allele CA364785225.
Genomic context (GRCh38, chr6:64,617,529, plus strand): 5'-GAGTTCATGAACACATGAGTTGGGAATGCACTCAAGCTCATTCTCACAGTGGTGTCCAGA[C>T]CATCCTGTTCAACAAAATTACAAAGCAGATATGCAATTTTTAATGATAATAAAAACAGTT-3'